The following is an entry in ClinVar:

ClinVar aggregate classification (germline): Uncertain significance (1 of 4 stars; one submission).

Allele frequency attached by ClinVar (database versions not stated): ExAC 0.00001; gnomAD 0.00001.
gnomAD v4.1: 3 of 1,209,976 alleles (0.00025%); highest among the groups gnomAD compares: African/African-American, 0.0018%; no homozygotes.

Submission:

Women's Health and Genetics/Laboratory Corporation of America, LabCorp
Classification: Uncertain significance. Last evaluated: 2022-11-21. Review status: criteria provided, single submitter. Criteria: LabCorp Variant Classification Summary - May 2015. Collection method: clinical testing. Allele origin: germline.
Comment: Variant summary: PCDH19 c.1711G>C (p.Gly571Arg) results in a non-conservative amino acid change located in the 6th cadherin-like repeat domain (IPR002126) of the encoded protein sequence. Four of five in-silico tools predict a damaging effect of the variant on protein function. The variant allele was found at a frequency of 5.5e-06 in 181596 control chromosomes (i.e. in 1 female carrier in the gnomAD v2.1 exomes dataset). The available data on variant occurrences in the general population are insufficient to allow any conclusion about variant significance. To our knowledge, no occurrence of c.1711G>C in individuals affected with Developmental and Epileptic Encephalopathy, 9 and no experimental evidence demonstrating its impact on protein function have been reported. No clinical diagnostic laboratories have submitted clinical-significance assessments for this variant to ClinVar after 2014. Based on the evidence outlined above, the variant was classified as uncertain significance.

NM_001184880.2(PCDH19):c.1711G>C (p.Gly571Arg)

Gene: PCDH19 (protocadherin 19; minus strand). Cytogenetic location: Xq22.1.
Variant type: single nucleotide variant.
Coding change: c.1711G>C on transcript NM_001184880.2 (MANE Select); coding-DNA position 1711, G replaced by C.
Protein change: p.Gly571Arg; replaces glycine 571 with arginine.
Molecular consequence: missense variant.
Genome position (GRCh38, 1-based): chrX:100,406,887, C>G on the plus strand (G>C on the coding strand, the complement: PCDH19 is on the minus strand). VCF-style: chrX-100406887-C-G. GRCh37 (hg19) VCF-style: chrX-99661885-C-G.
Other names: c.1711G>C, p.Gly571Arg (NM_001105243.2, NM_020766.3); short protein forms G571R.
Identifiers: ClinVar variation 1804719 (VCV001804719.1), dbSNP rs780242225, ClinGen allele CA10468851.
Genomic context (GRCh38, chrX:100,406,887, plus strand): 5'-TGACAACAGTCACCAGGTAGCCTATGCCAGAGTTGCGGGGTATGTAGACCTCGGCAGTGC[C>G]GTTAATCAGAGGTGGGGCTGTGATGACCGGGGTGTTGTCGTTGACGTCGAGGATGATGAC-3'
Protein context (NP_001171809.1, residues 561-581): PVITAPPLIN[Gly571Arg]TAEVYIPRNS